The following is an entry in ClinVar:

NM_001042750.2(STAG2):c.2007T>C (p.Leu669=)

Gene: STAG2 (STAG2 cohesin complex component; plus strand). Cytogenetic location: Xq25.
Variant type: single nucleotide variant.
Coding change: c.2007T>C on transcript NM_001042750.2 (MANE Select); coding-DNA position 2007, T replaced by C.
Protein change: p.Leu669=; no amino-acid change (leucine 669 retained).
Molecular consequence: synonymous variant.
Genome position (GRCh38, 1-based): chrX:124,064,033, T>C. VCF-style: chrX-124064033-T-C. GRCh37 (hg19) VCF-style: chrX-123197883-T-C.
Other names: c.2007T>C, p.Leu669= (NM_001042749.2, NM_001042751.2, NM_001282418.2 and 13 more transcripts).
Identifiers: ClinVar variation 2661354 (VCV002661354.25), dbSNP rs1265073123, ClinGen allele CA518174818.
Genomic context (GRCh38, chrX:124,064,033, plus strand): 5'-AGTAGATATTTCAAGAAGTCAACTGATAGATGAATTGGCAGATAAATTTAACCGGCTTCT[T>C]GAAGATTTTCTGCAAGAGGTATATATTATAACTATTACAAGTATTTTGTCAGTTGAGCCC-3'
Protein context (NP_001036215.1, residues 659-679): DELADKFNRL[Leu669=]EDFLQEGEEP

ClinVar aggregate classification (germline): Likely benign. Review status: criteria provided, multiple submitters, no conflicts (2 of 4 stars). 2 submissions from 2 submitters: Likely benign (2). Last evaluated 2025-02-04.

Allele frequency attached by ClinVar (database versions not stated): TOPMed 0.00001; gnomAD exomes 0.00002.
gnomAD v4.1: 27 of 1,207,309 alleles (0.0022%); highest among the groups gnomAD compares: Non-Finnish European, 0.0029%; no homozygotes.

Submissions (2):

Labcorp Genetics (formerly Invitae), Labcorp
Classification: Likely benign. Last evaluated: 2025-02-04. Review status: criteria provided, single submitter. Criteria: Invitae Variant Classification Sherloc (09022015). Collection method: clinical testing. Allele origin: germline.

CeGaT Center for Human Genetics Tuebingen
Classification: Likely benign. Last evaluated: 2023-07-01. Review status: criteria provided, single submitter. Criteria: CeGaT Center For Human Genetics Tuebingen Variant Classification Criteria Version 2. Collection method: clinical testing. Allele origin: germline. Affected: yes. Observed: 1 variant allele.
Comment: STAG2: BP4, BP7